The following is an entry in ClinVar:

NM_000918.4(P4HB):c.1033C>T (p.Arg345Cys)

Gene: P4HB (prolyl 4-hydroxylase subunit beta; minus strand). Cytogenetic location: 17q25.3.
Variant type: single nucleotide variant.
Coding change: c.1033C>T on transcript NM_000918.4 (MANE Select); coding-DNA position 1033, C replaced by T.
Protein change: p.Arg345Cys; replaces arginine 345 with cysteine.
Molecular consequence: missense variant.
Genome position (GRCh38, 1-based): chr17:81,846,452, G>A on the plus strand (C>T on the coding strand, the complement: P4HB is on the minus strand). VCF-style: chr17-81846452-G-A. GRCh37 (hg19) VCF-style: chr17-79804328-G-A.
Other names: short protein forms R345C.
Identifiers: ClinVar variation 3715510 (VCV003715510.2).

ClinVar aggregate classification (germline): Uncertain significance (1 of 4 stars; one submission).

gnomAD v4.1: 26 of 1,613,578 alleles (0.0016%); highest among the groups gnomAD compares: Middle Eastern, 0.016%; 1 homozygote.

Submission:

Labcorp Genetics (formerly Invitae), Labcorp
Classification: Uncertain significance. Last evaluated: 2024-06-25. Review status: criteria provided, single submitter. Criteria: Invitae Variant Classification Sherloc (09022015). Collection method: clinical testing. Allele origin: germline.
Comment: This sequence change replaces arginine, which is basic and polar, with cysteine, which is neutral and slightly polar, at codon 345 of the P4HB protein (p.Arg345Cys). This variant is present in population databases (rs147408417, gnomAD 0.03%). This variant has not been reported in the literature in individuals affected with P4HB-related conditions. Advanced modeling of protein sequence and biophysical properties (such as structural, functional, and spatial information, amino acid conservation, physicochemical variation, residue mobility, and thermodynamic stability) performed at Invitae indicates that this missense variant is not expected to disrupt P4HB protein function with a negative predictive value of 80%. In summary, the available evidence is currently insufficient to determine the role of this variant in disease. Therefore, it has been classified as a Variant of Uncertain Significance.